The following is an entry in ClinVar:

ClinVar aggregate classification (germline): Likely benign. Review status: criteria provided, multiple submitters, no conflicts (2 of 4 stars). 2 submissions from 2 submitters: Likely benign (2). Last evaluated 2021-11-24.

Allele frequency attached by ClinVar (database versions not stated): gnomAD exomes 0.00299; ExAC 0.00348; gnomAD 0.01162 and 0.01267; 1000 Genomes Project 0.01258; TOPMed 0.01319; 1000 Genomes Project 30x 0.01421; ESP Exome Variant Server 0.01442.

Submissions (2):

GeneDx
Classification: Likely benign. Last evaluated: 2021-11-24. Review status: criteria provided, single submitter. Criteria: GeneDx Variant Classification Process June 2021. Collection method: clinical testing. Allele origin: germline. Affected: yes.
Comment: See Variant Classification Assertion Criteria.

Breakthrough Genomics
Classification: Likely benign. Review status: criteria provided, single submitter. Criteria: ACMG Guidelines, 2015. Collection method: not provided. Allele origin: germline. Inheritance: Autosomal recessive inheritance. Affected: yes.

NM_022173.4(TIA1):c.223-34G>A

Gene: TIA1 (TIA1 cytotoxic granule associated RNA binding protein; minus strand). Cytogenetic location: 2p13.3.
Variant type: single nucleotide variant.
Coding change: c.223-34G>A on transcript NM_022173.4 (MANE Select); 34 bases into the intron before coding-DNA position 223, G replaced by A.
Molecular consequence: intron variant.
Genome position (GRCh38, 1-based): chr2:70,229,352, C>T on the plus strand (G>A on the coding strand, the complement: TIA1 is on the minus strand). VCF-style: chr2-70229352-C-T. GRCh37 (hg19) VCF-style: chr2-70456484-C-T.
Other names: c.112-34G>A (NM_001351513.1, NM_001351511.1); c.118-34G>A (NM_001351512.1); c.28-34G>A (NM_001351514.2, NM_001351523.2); c.-198-34G>A (NM_001351524.2); c.-421-34G>A (NM_001351517.2); c.223-34G>A (NM_001351510.2, NM_022037.4, NM_001351508.2 and 5 more transcripts); c.-231-34G>A (NM_001351525.2); c.-167-34G>A (NM_001351515.2); and 1 more.
Identifiers: ClinVar variation 1687648 (VCV001687648.3), dbSNP rs113726056, ClinGen allele CA1697691.